The following is an entry in ClinVar:

NM_177438.3(DICER1):c.1254_1265del (p.Asp418_Asp421del)

Gene: DICER1 (dicer 1, ribonuclease III; minus strand). Cytogenetic location: 14q32.13.
Variant type: Deletion.
Coding change: c.1254_1265del on transcript NM_177438.3 (MANE Select); coding-DNA positions 1254 to 1265, 12 bases deleted (TGATGAGGATGA).
Protein change: p.Asp418_Asp421del.
Molecular consequence: inframe deletion. On other transcripts: inframe indel (2), 5 prime UTR variant (1), non-coding transcript variant (6).
Genome position (GRCh38, 1-based): chr14:95,124,307-95,124,318, TCATCCTCATCA deleted on the plus strand (TGATGAGGATGA on the coding strand, the reverse complement: DICER1 is on the minus strand); deleting any 12 consecutive bases within chr14:95,124,307-95,124,327 gives the same sequence; the c. name uses the placement nearest the transcript's 3' end. VCF-style (leftmost placement, unchanged base first): chr14-95124306-TTCATCCTCATCA-T. GRCh37 (hg19) VCF-style: chr14-95590643-TTCATCCTCATCA-T.
Other names: c.1254_1265del12 (NM_177438.2); c.1254_1265del, p.Asp418_Asp421del (NM_001195573.1, NM_001271282.3, NM_001291628.2 and 14 more transcripts); c.1245_1256delTGAGGATGATGA, p.Asp418_Asp421del (NM_001395681.1); c.972_983del, p.Asp324_Asp327del (NM_001395686.1); c.849_860del, p.Asp283_Asp286del (NM_001395687.1, NM_001395688.1, NM_001395689.1 and 3 more transcripts); c.687_698del, p.Asp229_Asp232del (NM_001395691.1); c.-315_-304del (NM_001395697.1).
Identifiers: ClinVar variation 1761325 (VCV001761325.5), dbSNP rs2140202310, ClinGen allele CA2580089074.

ClinVar aggregate classification (germline): Uncertain significance. Review status: criteria provided, multiple submitters, no conflicts (2 of 4 stars). 2 submissions from 2 submitters: Uncertain significance (2). Last evaluated 2024-12-20.

Conditions:
Hereditary cancer-predisposing syndrome. Also called: Neoplastic Syndromes, Hereditary; Tumor predisposition; Hereditary neoplastic syndrome; Hereditary Cancer Syndrome. Identifiers: Orphanet 140162, MedGen C0027672, MeSH D009386, MONDO:0015356.
DICER1-related tumor predisposition. Also called: DICER1 syndrome; DICER1-related pleuropulmonary blastoma cancer predisposition syndrome. Identifiers: Orphanet 284343, MedGen C3839822, MONDO:0100216.

Submissions (2):

Ambry Genetics
Classification: Uncertain significance for Hereditary cancer-predisposing syndrome. Last evaluated: 2024-12-20. Review status: criteria provided, single submitter. Criteria: Ambry Variant Classification Scheme 2023. Collection method: clinical testing. Allele origin: germline.
Comment: The c.1254_1265del12 variant (also known as p.D418_D421del) is located in coding exon 7 of the DICER1 gene. This variant results from an in-frame TGATGAGGATGA deletion at nucleotide positions 1254 to 1265. This results in the in-frame deletion of four amino acid residues at codon 418 to 421. This amino acid region is not well conserved in available vertebrate species. In addition, this alteration is predicted to be deleterious by in silico analysis (Choi Y et al. PLoS ONE. 2012; 7(10):e46688). Based on the available evidence, the clinical significance of this variant remains unclear.

Labcorp Genetics (formerly Invitae), Labcorp
Classification: Uncertain significance for DICER1-related tumor predisposition. Last evaluated: 2024-09-27. Review status: criteria provided, single submitter. Criteria: Invitae Variant Classification Sherloc (09022015). Collection method: clinical testing. Allele origin: germline.
Comment: This variant, c.1254_1265del, results in the deletion of 4 amino acid(s) of the DICER1 protein (p.Asp418_Asp421del), but otherwise preserves the integrity of the reading frame. This variant is not present in population databases (gnomAD no frequency). This variant has not been reported in the literature in individuals affected with DICER1-related conditions. ClinVar contains an entry for this variant (Variation ID: 1761325). Experimental studies and prediction algorithms are not available or were not evaluated, and the functional significance of this variant is currently unknown. In summary, the available evidence is currently insufficient to determine the role of this variant in disease. Therefore, it has been classified as a Variant of Uncertain Significance.